The following is an entry in ClinVar:

ClinVar aggregate classification (germline): Uncertain significance (1 of 4 stars; one submission).

Allele frequency attached by ClinVar (database versions not stated): gnomAD exomes below 0.00001.
gnomAD v4.1: 2 of 1,614,166 alleles (0.00012%); highest among the groups gnomAD compares: East Asian, 0.0045%; no homozygotes.

Submission:

Labcorp Genetics (formerly Invitae), Labcorp
Classification: Uncertain significance. Last evaluated: 2022-09-28. Review status: criteria provided, single submitter. Criteria: Invitae Variant Classification Sherloc (09022015). Collection method: clinical testing. Allele origin: germline.
Comment: In summary, the available evidence is currently insufficient to determine the role of this variant in disease. Therefore, it has been classified as a Variant of Uncertain Significance. Algorithms developed to predict the effect of missense changes on protein structure and function (SIFT, PolyPhen-2, Align-GVGD) all suggest that this variant is likely to be tolerated. This variant has not been reported in the literature in individuals affected with A2ML1-related conditions. This variant is present in population databases (no rsID available, gnomAD 0.006%). This sequence change replaces asparagine, which is neutral and polar, with aspartic acid, which is acidic and polar, at codon 1058 of the A2ML1 protein (p.Asn1058Asp).

NM_144670.6(A2ML1):c.3172A>G (p.Asn1058Asp)

Gene: A2ML1 (alpha-2-macroglobulin like 1; plus strand). Cytogenetic location: 12p13.31.
Variant type: single nucleotide variant.
Coding change: c.3172A>G on transcript NM_144670.6 (MANE Select); coding-DNA position 3172, A replaced by G.
Protein change: p.Asn1058Asp; replaces asparagine 1058 with aspartic acid.
Molecular consequence: missense variant.
Genome position (GRCh38, 1-based): chr12:8,858,010, A>G. VCF-style: chr12-8858010-A-G. GRCh37 (hg19) VCF-style: chr12-9010606-A-G.
Other names: c.1699A>G, p.Asn567Asp (NM_001282424.3); short protein forms N1058D, N567D.
Identifiers: ClinVar variation 1720586 (VCV001720586.5), dbSNP rs1387666849, ClinGen allele CA383838227.